The following is an entry in ClinVar:

ClinVar aggregate classification (germline): Benign. Review status: criteria provided, multiple submitters, no conflicts (2 of 4 stars). 2 submissions from 2 submitters: Benign (2). Last evaluated 2018-06-16.

Allele frequency attached by ClinVar (database versions not stated): gnomAD 0.00102 and 0.00139; gnomAD exomes 0.00112 and 0.00386; TOPMed 0.00177; ExAC 0.00354; 1000 Genomes Project 30x 0.00812; 1000 Genomes Project 0.00819.
gnomAD v4.1: 1,850 of 1,605,582 alleles (0.12%); highest among the groups gnomAD compares: East Asian, 3.7%; 33 homozygotes.

Submissions (2):

GeneDx
Classification: Benign. Last evaluated: 2018-06-16. Review status: criteria provided, single submitter. Criteria: GeneDx Variant Classification (06012015). Collection method: clinical testing. Allele origin: germline. Affected: yes.
Comment: This variant is considered likely benign or benign based on one or more of the following criteria: it is a conservative change, it occurs at a poorly conserved position in the protein, it is predicted to be benign by multiple in silico algorithms, and/or has population frequency not consistent with disease.

Breakthrough Genomics
Classification: Benign. Review status: criteria provided, single submitter. Criteria: ACMG Guidelines, 2015. Collection method: not provided. Allele origin: germline. Inheritance: Autosomal recessive inheritance. Affected: yes.

NM_138691.3(TMC1):c.2004-46C>T

Gene: TMC1 (transmembrane channel like 1; plus strand). Cytogenetic location: 9q21.13.
Variant type: single nucleotide variant.
Coding change: c.2004-46C>T on transcript NM_138691.3 (MANE Select); 46 bases into the intron before coding-DNA position 2004, C replaced by T.
Molecular consequence: intron variant.
Genome position (GRCh38, 1-based): chr9:72,826,823, C>T. VCF-style: chr9-72826823-C-T. GRCh37 (hg19) VCF-style: chr9-75441739-C-T.
Identifiers: ClinVar variation 676572 (VCV000676572.2), dbSNP rs141086229, ClinGen allele CA5082116.
Genomic context (GRCh38, chr9:72,826,823, plus strand): 5'-AGAGGACCTAAGCAGTAATTGAGAAAGATTTCCAGTTTTCTTGCTTTAACCATGGTTTTT[C>T]CATATGTTCTTAATAAACTTATCTCCCCCTTTTTAATTCCCCCAGTGGCAAAAATAGAAT-3'